The following is an entry in ClinVar:

NM_001377.3(DYNC2H1):c.9502A>G (p.Thr3168Ala)

Gene: DYNC2H1 (dynein cytoplasmic 2 heavy chain 1; plus strand). Cytogenetic location: 11q22.3.
Variant type: single nucleotide variant.
Coding change: c.9502A>G on transcript NM_001377.3 (MANE Select); coding-DNA position 9502, A replaced by G.
Protein change: p.Thr3168Ala; replaces threonine 3168 with alanine.
Molecular consequence: missense variant.
Genome position (GRCh38, 1-based): chr11:103,234,095, A>G. VCF-style: chr11-103234095-A-G. GRCh37 (hg19) VCF-style: chr11-103104824-A-G.
Other names: c.9502A>G, p.Thr3168Ala (NM_001080463.2); short protein forms T3168A.
Identifiers: ClinVar variation 4875446 (VCV004875446.2).

ClinVar aggregate classification (germline): Uncertain significance (1 of 4 stars; one submission).

gnomAD v4.1: 6 of 1,571,296 alleles (0.00038%); highest among the groups gnomAD compares: Admixed American, 0.0075%; no homozygotes.

Submission:

CeGaT Center for Human Genetics Tuebingen
Classification: Uncertain significance. Last evaluated: 2026-06-01. Review status: criteria provided, single submitter. Criteria: CeGaT Center For Human Genetics Tuebingen Variant Classification Criteria Version 2. Collection method: clinical testing. Allele origin: germline. Affected: yes. Observed: 1 variant allele.
Comment: DYNC2H1: PM2